The following is an entry in ClinVar:

NM_000082.4(ERCC8):c.397C>T (p.Gln133Ter)

Genes: ERCC8 (ERCC excision repair 8, CSA ubiquitin ligase complex subunit; minus strand), ERCC8-AS1 (ERCC8 antisense RNA 1; plus strand). Cytogenetic location: 5q12.1.
Variant type: single nucleotide variant.
Coding change: c.397C>T on transcript NM_000082.4 (MANE Select); coding-DNA position 397, C replaced by T.
Protein change: p.Gln133Ter; replaces glutamine 133 with a stop codon.
Molecular consequence: nonsense. On other transcripts: missense variant (1).
Genome position (GRCh38, 1-based): chr5:60,918,267, G>A on the plus strand (C>T on the coding strand, the complement: ERCC8 is on the minus strand). VCF-style: chr5-60918267-G-A. GRCh37 (hg19) VCF-style: chr5-60214094-G-A.
Other names: c.223C>T, p.Gln75Ter (NM_001007233.3); c.397C>T, p.Gln133Ter (NM_001007234.3); c.20C>T, p.Thr7Ile (NM_001290285.2); short protein forms Q133*, Q75*, T7I.
Identifiers: ClinVar variation 984262 (VCV000984262.3), dbSNP rs1749495521, ClinGen allele CA359827822.

ClinVar aggregate classification (germline): Likely pathogenic (1 of 4 stars; one submission).

Conditions:
Cockayne syndrome type 1. Also called: Cockayne syndrome type I; Cockayne syndrome classical; Cockayne syndrome classic form. Identifiers: Orphanet 191, Orphanet 90321, MedGen C0751039, MONDO:0019569, OMIM 216400.

gnomAD v4.1: 1 of 1,593,568 alleles (0.000063%); highest among the groups gnomAD compares: Non-Finnish European, 0.000086%; no homozygotes.

Submission:

Myriad Genetics, Inc.
Classification: Likely pathogenic for Cockayne syndrome type 1. Last evaluated: 2020-03-11. Review status: criteria provided, single submitter. Criteria: Myriad Women's Health Autosomal Recessive and X-Linked Classification Criteria (2019). Collection method: clinical testing. Allele origin: unknown.
Comment: NM_000082.3(ERCC8):c.397C>T(Q133*) is expected to be pathogenic in the context of ERCC8-related disorders. This variant is predicted to lead to an abnormal or absent protein product due to the creation of a premature termination codon in ERCC8, a gene where loss-of-function variants are known to be pathogenic. Please note: this variant was assessed in the context of healthy population screening.